The following is an entry in ClinVar:

ClinVar aggregate classification (germline): Uncertain significance (1 of 4 stars; one submission).

Allele frequency attached by ClinVar (database versions not stated): gnomAD 0.00001; TOPMed below 0.00001.
gnomAD v4.1: 1 of 1,612,758 alleles (0.000062%); highest among the groups gnomAD compares: Non-Finnish European, 0.000085%; no homozygotes.

Submission:

GeneDx
Classification: Uncertain significance. Last evaluated: 2019-09-13. Review status: criteria provided, single submitter. Criteria: GeneDx Variant Classification Process June 2021. Collection method: clinical testing. Allele origin: germline. Affected: yes.
Comment: Not observed in large population cohorts (Lek et al., 2016); In silico analysis, which includes protein predictors and evolutionary conservation, supports a deleterious effect; Has not been previously published as pathogenic or benign to our knowledge

NM_001278293.3(ARL6):c.98T>C (p.Ile33Thr)

Gene: ARL6 (ARF like GTPase 6; plus strand). Cytogenetic location: 3q11.2.
Variant type: single nucleotide variant.
Coding change: c.98T>C on transcript NM_001278293.3 (MANE Select); coding-DNA position 98, T replaced by C.
Protein change: p.Ile33Thr; replaces isoleucine 33 with threonine.
Molecular consequence: missense variant. On other transcripts: non-coding transcript variant (7).
Genome position (GRCh38, 1-based): chr3:97,768,205, T>C. VCF-style: chr3-97768205-T-C. GRCh37 (hg19) VCF-style: chr3-97487049-T-C.
Other names: c.98T>C, p.Ile33Thr (NM_001323513.2, NM_001323514.2, NM_032146.5 and 1 more transcripts); short protein forms I33T.
Identifiers: ClinVar variation 1316353 (VCV001316353.2), dbSNP rs2036476218, ClinGen allele CA353582620.
Genomic context (GRCh38, chr3:97,768,205, plus strand): 5'-TGAAGAAGAAGGAGGTTCATGTTTTGTGCCTTGGGCTAGATAATAGTGGCAAAACGACGA[T>C]CATTAACAAACTTAAACCTTCAAATGTAAGTATCTTTGTTAGATGCTTTATGTATTTTCT-3'
Protein context (NP_001265222.1, residues 23-43): LGLDNSGKTT[Ile33Thr]INKLKPSNAQ